The following is an entry in ClinVar:

NM_014915.3(ANKRD26):c.4277A>G (p.Lys1426Arg)

Gene: ANKRD26 (ankyrin repeat domain containing 26; minus strand). Cytogenetic location: 10p12.1.
Variant type: single nucleotide variant.
Coding change: c.4277A>G on transcript NM_014915.3 (MANE Select); coding-DNA position 4277, A replaced by G.
Protein change: p.Lys1426Arg; replaces lysine 1426 with arginine.
Molecular consequence: missense variant.
Genome position (GRCh38, 1-based): chr10:27,017,731, T>C on the plus strand (A>G on the coding strand, the complement: ANKRD26 is on the minus strand). VCF-style: chr10-27017731-T-C. GRCh37 (hg19) VCF-style: chr10-27306660-T-C.
Other names: c.4274A>G, p.Lys1425Arg (NM_001256053.2); short protein forms K1425R, K1426R.
Identifiers: ClinVar variation 2287314 (VCV002287314.3), dbSNP rs911223071, ClinGen allele CA204436079.

ClinVar aggregate classification (germline): Uncertain significance (1 of 4 stars; one submission).

Conditions:
Inborn genetic diseases. Identifiers: MedGen C0950123, MeSH D030342.

Allele frequency attached by ClinVar (database versions not stated): gnomAD exomes below 0.00001.
gnomAD v4.1: 1 of 1,613,152 alleles (0.000062%); highest among the groups gnomAD compares: African/African-American, 0.0013%; no homozygotes.

Submission:

Ambry Genetics
Classification: Uncertain significance for Inborn genetic diseases. Last evaluated: 2025-04-05. Review status: criteria provided, single submitter. Criteria: Ambry Variant Classification Scheme 2023. Collection method: clinical testing. Allele origin: germline.
Comment: The p.K1426R variant (also known as c.4277A>G), located in coding exon 30 of the ANKRD26 gene, results from an A to G substitution at nucleotide position 4277. The lysine at codon 1426 is replaced by arginine, an amino acid with highly similar properties. This amino acid position is conserved. In addition, this alteration is predicted to be tolerated by in silico analysis. Based on the available evidence, the clinical significance of this variant remains unclear.